The following is an entry in ClinVar:

ClinVar aggregate classification (germline): Uncertain significance. Review status: criteria provided, multiple submitters, no conflicts (2 of 4 stars). 3 submissions from 3 submitters: Uncertain significance (3). Last evaluated 2023-10-20.

Conditions:
Epilepsy, childhood absence, susceptibility to, 6. Identifiers: Orphanet 64280, MedGen C2749872, MONDO:0012763, OMIM 611942.
Hyperaldosteronism, familial, type IV (HALD4). Also called: FH IV; ALDOSTERONISM, PRIMARY, AND HYPERTENSION. Identifiers: Orphanet 642671, MedGen C4310756, MONDO:0014875, OMIM 617027.
Inborn genetic diseases. Identifiers: MedGen C0950123, MeSH D030342.
Idiopathic generalized epilepsy. Also called: Generalised epilepsy; EIG. Identifiers: MedGen C0270850, MONDO:0005579, OMIM 600669.

gnomAD v4.1: 5 of 1,611,046 alleles (0.00031%); highest among the groups gnomAD compares: Non-Finnish European, 0.00042%; no homozygotes.

Submissions (3):

Ambry Genetics
Classification: Uncertain significance for Inborn genetic diseases. Last evaluated: 2023-10-20. Review status: criteria provided, single submitter. Criteria: Ambry Variant Classification Scheme 2023. Collection method: clinical testing. Allele origin: germline.

Fulgent Genetics
Classification: Uncertain significance for Epilepsy, childhood absence, susceptibility to, 6; Hyperaldosteronism, familial, type IV. Last evaluated: 2021-07-07. Review status: criteria provided, single submitter. Criteria: ACMG Guidelines, 2015. Collection method: clinical testing. Allele origin: unknown.

Labcorp Genetics (formerly Invitae), Labcorp
Classification: Uncertain significance for Idiopathic generalized epilepsy; Hyperaldosteronism, familial, type IV. Last evaluated: 2018-08-05. Review status: criteria provided, single submitter. Criteria: Invitae Variant Classification Sherloc (09022015). Collection method: clinical testing. Allele origin: germline.
Comment: In summary, the available evidence is currently insufficient to determine the role of this variant in disease. Therefore, it has been classified as a Variant of Uncertain Significance. Algorithms developed to predict the effect of missense changes on protein structure and function are either unavailable or do not agree on the potential impact of this missense change (SIFT: "Deleterious"; PolyPhen-2: "Probably Damaging"; Align-GVGD: "Class C0"). This variant has not been reported in the literature in individuals with CACNA1H-related disease. This variant is not present in population databases (ExAC no frequency). This sequence change replaces aspartic acid with glutamic acid at codon 741 of the CACNA1H protein (p.Asp741Glu). The aspartic acid residue is moderately conserved and there is a small physicochemical difference between aspartic acid and glutamic acid.

NM_021098.3(CACNA1H):c.2223C>G (p.Asp741Glu)

Gene: CACNA1H (calcium voltage-gated channel subunit alpha1 H; plus strand). Cytogenetic location: 16p13.3.
Variant type: single nucleotide variant.
Coding change: c.2223C>G on transcript NM_021098.3 (MANE Select); coding-DNA position 2223, C replaced by G.
Protein change: p.Asp741Glu; replaces aspartic acid 741 with glutamic acid.
Molecular consequence: missense variant.
Genome position (GRCh38, 1-based): chr16:1,204,230, C>G. VCF-style: chr16-1204230-C-G. GRCh37 (hg19) VCF-style: chr16-1254230-C-G.
Other names: c.2223C>G, p.Asp741Glu (NM_001005407.2); short protein forms D741E.
Identifiers: ClinVar variation 665508 (VCV000665508.10), dbSNP rs1402942281, ClinGen allele CA394166005.